The following is an entry in ClinVar:

NM_001376.5(DYNC1H1):c.3130G>T (p.Val1044Leu)

Gene: DYNC1H1 (dynein cytoplasmic 1 heavy chain 1; plus strand). Cytogenetic location: 14q32.31.
Variant type: single nucleotide variant.
Coding change: c.3130G>T on transcript NM_001376.5 (MANE Select); coding-DNA position 3130, G replaced by T.
Protein change: p.Val1044Leu; replaces valine 1044 with leucine.
Molecular consequence: missense variant.
Genome position (GRCh38, 1-based): chr14:101,994,298, G>T. VCF-style: chr14-101994298-G-T. GRCh37 (hg19) VCF-style: chr14-102460635-G-T.
Other names: short protein forms V1044L.
Identifiers: ClinVar variation 1495344 (VCV001495344.8), dbSNP rs1035544174, ClinGen allele CA266986880.
Genomic context (GRCh38, chr14:101,994,298, plus strand): 5'-ACACGGATGCCTGATGGCCCTGTTGCCCTGGAAGAGTCGTATTCTGCTGTCATGGGCATT[G>T]TATCTGAAGTTGAACAGTATGTCAAGGTAAGAAACTCCTAATTTCATTCAAATGTGCATA-3'
Protein context (NP_001367.2, residues 1034-1054): EESYSAVMGI[Val1044Leu]SEVEQYVKVW

ClinVar aggregate classification (germline): Uncertain significance (1 of 4 stars; one submission).

Conditions:
Charcot-Marie-Tooth disease axonal type 2O. Also called: CHARCOT-MARIE-TOOTH NEUROPATHY, AXONAL, TYPE 2O; CHARCOT-MARIE-TOOTH DISEASE, AXONAL, AUTOSOMAL DOMINANT, TYPE 2O; Charcot-Marie-Tooth Neuropathy Type 2O; Charcot-Marie-Tooth disease, axonal, type 20. Identifiers: Orphanet 284232, MedGen C3280220, MONDO:0013644, OMIM 614228.

Allele frequency attached by ClinVar (database versions not stated): gnomAD 0.00001; TOPMed 0.00001.
gnomAD v4.1: 2 of 1,614,044 alleles (0.00012%); highest among the groups gnomAD compares: African/African-American, 0.0027%; no homozygotes.

Submission:

Labcorp Genetics (formerly Invitae), Labcorp
Classification: Uncertain significance for Charcot-Marie-Tooth disease axonal type 2O. Last evaluated: 2023-01-19. Review status: criteria provided, single submitter. Criteria: Invitae Variant Classification Sherloc (09022015). Collection method: clinical testing. Allele origin: germline.
Comment: This variant has not been reported in the literature in individuals affected with DYNC1H1-related conditions. This variant is not present in population databases (gnomAD no frequency). This sequence change replaces valine, which is neutral and non-polar, with leucine, which is neutral and non-polar, at codon 1044 of the DYNC1H1 protein (p.Val1044Leu). ClinVar contains an entry for this variant (Variation ID: 1495344). In summary, the available evidence is currently insufficient to determine the role of this variant in disease. Therefore, it has been classified as a Variant of Uncertain Significance. Advanced modeling of protein sequence and biophysical properties (such as structural, functional, and spatial information, amino acid conservation, physicochemical variation, residue mobility, and thermodynamic stability) performed at Invitae indicates that this missense variant is not expected to disrupt DYNC1H1 protein function.